The following is an entry in ClinVar:

NM_001395413.1(POR):c.392C>T (p.Ala131Val)

Gene: POR (cytochrome p450 oxidoreductase; plus strand). Cytogenetic location: 7q11.23.
Variant type: single nucleotide variant.
Coding change: c.392C>T on transcript NM_001395413.1 (MANE Select); coding-DNA position 392, C replaced by T.
Protein change: p.Ala131Val; replaces alanine 131 with valine.
Molecular consequence: missense variant.
Genome position (GRCh38, 1-based): chr7:75,980,373, C>T. VCF-style: chr7-75980373-C-T. GRCh37 (hg19) VCF-style: chr7-75609691-C-T.
Other names: c.401C>T (NM_000941.2); c.392C>T, p.Ala131Val (NM_001367562.3, NM_001382657.2, NM_001382658.3 and 2 more transcripts); c.446C>T, p.Ala149Val (NM_001382655.3); short protein forms A131V, A149V.
Identifiers: ClinVar variation 4989451 (VCV004989451.1).

ClinVar aggregate classification (germline): Uncertain significance (1 of 4 stars; one submission).

Conditions:
POR-related disorder. Also called: POR-related condition.

Submission:

PreventionGenetics, part of Exact Sciences
Classification: Uncertain significance for POR-related condition. Last evaluated: 2026-09-23. Review status: criteria provided, single submitter. Criteria: ACMG Guidelines, 2015. Collection method: clinical testing. Allele origin: germline.
Comment: The POR c.401C>T variant is predicted to result in the amino acid substitution p.Ala134Val. To our knowledge, this variant has not been reported in the literature or in a large population database (gnomAD), indicating this variant is rare. At this time, the clinical significance of this variant is uncertain due to the absence of conclusive functional and genetic evidence.